The following is an entry in ClinVar:

NM_000642.3(AGL):c.3346C>T (p.Arg1116Cys)

Gene: AGL (amylo-alpha-1,6-glucosidase and 4-alpha-glucanotransferase; plus strand). Cytogenetic location: 1p21.2.
Variant type: single nucleotide variant.
Coding change: c.3346C>T on transcript NM_000642.3 (MANE Select); coding-DNA position 3346, C replaced by T.
Protein change: p.Arg1116Cys; replaces arginine 1116 with cysteine.
Molecular consequence: missense variant.
Genome position (GRCh38, 1-based): chr1:99,896,372, C>T. VCF-style: chr1-99896372-C-T. GRCh37 (hg19) VCF-style: chr1-100361928-C-T.
Other names: c.3346C>T, p.Arg1116Cys (NM_000028.3, NM_000643.3, NM_000644.3 and 1 more transcripts); c.3298C>T, p.Arg1100Cys (NM_000646.3); c.3325C>T, p.Arg1109Cys (NM_001425326.1); c.3145C>T, p.Arg1049Cys (NM_001425327.1); c.3142C>T, p.Arg1048Cys (NM_001425328.1); c.3007C>T, p.Arg1003Cys (NM_001425329.1); c.2968C>T, p.Arg990Cys (NM_001425332.1); short protein forms R1116C, R1100C, R1003C, R1048C, R1049C, R1109C, R990C.
Identifiers: ClinVar variation 456488 (VCV000456488.9), dbSNP rs773625464, ClinGen allele CA967051.

ClinVar aggregate classification (germline): Uncertain significance. Review status: criteria provided, multiple submitters, no conflicts (2 of 4 stars). 4 submissions from 4 submitters: Uncertain significance (3). 1 of the submissions does not count toward it. Last evaluated 2023-04-11.

Conditions:
Glycogen storage disease type III (GSD3). Also called: FORBES DISEASE; Cori disease. Identifiers: Orphanet 366, MedGen C0017922, MONDO:0009291, OMIM 232400.
Inborn genetic diseases. Identifiers: MedGen C0950123, MeSH D030342.

Allele frequency attached by ClinVar (database versions not stated): ExAC 0.00002; gnomAD exomes 0.00002; gnomAD 0.00004; TOPMed 0.00005.
gnomAD v4.1: 86 of 1,613,454 alleles (0.0053%); highest among the groups gnomAD compares: Non-Finnish European, 0.0066%; no homozygotes.

Submissions (4):

Genome-Nilou Lab
Classification: Uncertain significance for Glycogen storage disease type III. Last evaluated: 2023-04-11. Review status: criteria provided, single submitter. Criteria: ACMG Guidelines, 2015. Collection method: clinical testing. Allele origin: germline. Affected: no.

Labcorp Genetics (formerly Invitae), Labcorp
Classification: Uncertain significance for Glycogen storage disease type III. Last evaluated: 2022-10-17. Review status: criteria provided, single submitter. Criteria: Invitae Variant Classification Sherloc (09022015). Collection method: clinical testing. Allele origin: germline.
Comment: This sequence change replaces arginine, which is basic and polar, with cysteine, which is neutral and slightly polar, at codon 1116 of the AGL protein (p.Arg1116Cys). This variant is present in population databases (rs773625464, gnomAD 0.004%). This variant has not been reported in the literature in individuals affected with AGL-related conditions. ClinVar contains an entry for this variant (Variation ID: 456488). Advanced modeling of protein sequence and biophysical properties (such as structural, functional, and spatial information, amino acid conservation, physicochemical variation, residue mobility, and thermodynamic stability) performed at Invitae indicates that this missense variant is expected to disrupt AGL protein function. In summary, the available evidence is currently insufficient to determine the role of this variant in disease. Therefore, it has been classified as a Variant of Uncertain Significance.

Ambry Genetics
Classification: Uncertain significance for Inborn genetic diseases. Last evaluated: 2021-11-16. Review status: criteria provided, single submitter. Criteria: Ambry Variant Classification Scheme 2023. Collection method: clinical testing. Allele origin: germline.

Natera, Inc.
Classification: Uncertain significance for Glycogen storage disease type III. Last evaluated: 2019-10-28. Review status: no assertion criteria provided. Collection method: clinical testing. Allele origin: germline. Not counted in ClinVar's aggregate classification.